The following is an entry in ClinVar:

ClinVar aggregate classification (germline): Uncertain significance (1 of 4 stars; one submission).

Conditions:
Cohen syndrome (COH1). Also called: PEPPER SYNDROME; Cutis verticis gyrata, retinitis pigmentosa, and sensorineural deafness. Identifiers: Orphanet 193, MedGen C0265223, MONDO:0008999, OMIM 216550.

Allele frequency attached by ClinVar (database versions not stated): gnomAD exomes 0.00003.
gnomAD v4.1: 37 of 1,613,794 alleles (0.0023%); highest among the groups gnomAD compares: Non-Finnish European, 0.0031%; no homozygotes.

Submission:

Labcorp Genetics (formerly Invitae), Labcorp
Classification: Uncertain significance for Cohen syndrome. Last evaluated: 2020-06-22. Review status: criteria provided, single submitter. Criteria: Invitae Variant Classification Sherloc (09022015). Collection method: clinical testing. Allele origin: germline.
Comment: This sequence change replaces valine with phenylalanine at codon 1580 of the VPS13B protein (p.Val1580Phe). The valine residue is moderately conserved and there is a small physicochemical difference between valine and phenylalanine. This variant is not present in population databases (ExAC no frequency). This variant has not been reported in the literature in individuals with VPS13B-related conditions. Algorithms developed to predict the effect of missense changes on protein structure and function are either unavailable or do not agree on the potential impact of this missense change (SIFT: "Not Available"; PolyPhen-2: "Probably Damaging"; Align-GVGD: "Not Available"). In summary, the available evidence is currently insufficient to determine the role of this variant in disease. Therefore, it has been classified as a Variant of Uncertain Significance.

NM_152564.5(VPS13B):c.4663G>T (p.Val1555Phe)

Gene: VPS13B (vacuolar protein sorting 13 homolog B; plus strand). Cytogenetic location: 8q22.2.
Variant type: single nucleotide variant.
Coding change: c.4663G>T on transcript NM_152564.5 (MANE Select); coding-DNA position 4663, G replaced by T.
Protein change: p.Val1555Phe; replaces valine 1555 with phenylalanine.
Molecular consequence: missense variant.
Genome position (GRCh38, 1-based): chr8:99,520,928, G>T. VCF-style: chr8-99520928-G-T. GRCh37 (hg19) VCF-style: chr8-100533156-G-T.
Other names: c.4738G>T, p.Val1580Phe (NM_017890.5); short protein forms V1580F, V1555F.
Identifiers: ClinVar variation 1038788 (VCV001038788.7), dbSNP rs1822352324, ClinGen allele CA371866438.